The following is an entry in ClinVar:

ClinVar aggregate classification (germline): Benign. Review status: criteria provided, multiple submitters, no conflicts (2 of 4 stars). 4 submissions from 3 submitters: Benign (4). Last evaluated 2021-08-19.

Conditions:
Myoclonus, intractable, neonatal (NEIMY). Identifiers: MedGen C4310658, MONDO:0014979, OMIM 617235.
Hereditary spastic paraplegia 10 (SPG10). Also called: SPASTIC PARAPLEGIA 10, AUTOSOMAL DOMINANT; SPASTIC PARAPLEGIA 10 WITH OR WITHOUT PERIPHERAL NEUROPATHY; SPASTIC PARAPLEGIA 10 WITH PERIPHERAL NEUROPATHY. Identifiers: Orphanet 100991, MedGen C1858712, MONDO:0011408, OMIM 604187.

Allele frequency attached by ClinVar (database versions not stated): ESP Exome Variant Server 0.38721; gnomAD exomes 0.40263 and 0.46897; gnomAD 0.41472 and 0.42502; TOPMed 0.41761; ExAC 0.46554; 1000 Genomes Project 30x 0.52311; 1000 Genomes Project 0.53335.
gnomAD v4.1: 639,756 of 1,577,814 alleles (41%); highest among the groups gnomAD compares: East Asian, 79%; 137,947 homozygotes.

Submissions (5):

Genome-Nilou Lab
Classification: Benign for Myoclonus, intractable, neonatal. Last evaluated: 2021-08-19. Review status: criteria provided, single submitter. Criteria: ACMG Guidelines, 2015. Collection method: clinical testing. Allele origin: germline. Affected: no.

Genome-Nilou Lab
Classification: Benign for Hereditary spastic paraplegia 10. Last evaluated: 2021-08-19. Review status: criteria provided, single submitter. Criteria: ACMG Guidelines, 2015. Collection method: clinical testing. Allele origin: germline. Affected: no.

GeneDx
Classification: Benign. Last evaluated: 2018-06-14. Review status: criteria provided, single submitter. Criteria: GeneDx Variant Classification (06012015). Collection method: clinical testing. Allele origin: germline. Affected: yes.
Comment: This variant is considered likely benign or benign based on one or more of the following criteria: it is a conservative change, it occurs at a poorly conserved position in the protein, it is predicted to be benign by multiple in silico algorithms, and/or has population frequency not consistent with disease.

Breakthrough Genomics
Classification: Benign. Review status: criteria provided, single submitter. Criteria: ACMG Guidelines, 2015. Collection method: not provided. Allele origin: germline. Inheritance: Autosomal dominant inheritance. Affected: yes.

Dr. Peter K. Rogan Lab, Western University
No classification provided (evidence only). Condition: Germ cell tumor of testis. Review status: no classification provided. Collection method: in vitro. Allele origin: not applicable. Functional consequence: retained intron. Not counted in ClinVar's aggregate classification.

NM_004984.4(KIF5A):c.445+22A>G

Gene: KIF5A (kinesin family member 5A; plus strand). Cytogenetic location: 12q13.3.
Variant type: single nucleotide variant.
Coding change: c.445+22A>G on transcript NM_004984.4 (MANE Select); 22 bases into the intron after coding-DNA position 445, A replaced by G.
Molecular consequence: intron variant.
Genome position (GRCh38, 1-based): chr12:57,564,530, A>G. VCF-style: chr12-57564530-A-G. GRCh37 (hg19) VCF-style: chr12-57958313-A-G.
Other names: NC_000012.11:g.57958313A>G; c.178+22A>G (NM_001354705.2).
Identifiers: ClinVar variation 682854 (VCV000682854.5), dbSNP rs775322, ClinGen allele CA6652586.